The following is an entry in ClinVar:

ClinVar aggregate classification (germline): Uncertain significance (1 of 4 stars; one submission).

Submission:

GeneDx
Classification: Uncertain significance. Last evaluated: 2019-07-26. Review status: criteria provided, single submitter. Criteria: GeneDx Variant Classification Process June 2021. Collection method: clinical testing. Allele origin: germline. Affected: yes.
Comment: Not observed in large population cohorts (Lek et al., 2016); The majority of missense variants in this gene are considered pathogenic (Stenson et al., 2014); In silico analysis, which includes protein predictors and evolutionary conservation, supports that this variant does not alter protein structure/function; Has not been previously published as pathogenic or benign to our knowledge

NM_004333.6(BRAF):c.1010C>T (p.Ser337Leu)

Genes: BRAF (B-Raf proto-oncogene, serine/threonine kinase; minus strand), LOC126860202 (BRD4-independent group 4 enhancer GRCh37_chr7:140493623-140494822; plus strand). Cytogenetic location: 7q34.
Variant type: single nucleotide variant.
Coding change: c.1010C>T on transcript NM_004333.6 (MANE Select); coding-DNA position 1010, C replaced by T.
Protein change: p.Ser337Leu; replaces serine 337 with leucine.
Molecular consequence: missense variant.
Genome position (GRCh38, 1-based): chr7:140,794,438, G>A on the plus strand (C>T on the coding strand, the complement: BRAF is on the minus strand). VCF-style: chr7-140794438-G-A. GRCh37 (hg19) VCF-style: chr7-140494238-G-A.
Other names: c.1010C>T, p.Ser337Leu (NM_001354609.2, NM_001374244.1, NM_001374258.1 and 4 more transcripts); c.1019C>T, p.Ser340Leu (NM_001378467.1); c.908C>T, p.Ser303Leu (NM_001378470.1); c.854C>T, p.Ser285Leu (NM_001378472.1, NM_001378473.1); c.746C>T, p.Ser249Leu (NM_001378475.1); short protein forms S249L, S285L, S303L, S337L, S340L.
Identifiers: ClinVar variation 1318413 (VCV001318413.2), dbSNP rs2129038078, ClinGen allele CA369589949.